The following is an entry in ClinVar:

ClinVar aggregate classification (germline): Pathogenic (1 of 4 stars; one submission).

Conditions:
Charcot-Marie-Tooth disease type 2. Also called: Charcot-Marie-Tooth type 2. Identifiers: Orphanet 64746, MedGen C0270914, MONDO:0018993.

Submission:

Labcorp Genetics (formerly Invitae), Labcorp
Classification: Pathogenic for Charcot-Marie-Tooth disease type 2. Last evaluated: 2026-01-26. Review status: criteria provided, single submitter. Criteria: Invitae Variant Classification Sherloc (09022015). Collection method: clinical testing. Allele origin: germline.
Comment: This sequence change creates a premature translational stop signal (p.Gln410Argfs*15) in the LMNA gene. It is expected to result in an absent or disrupted protein product. Loss-of-function variants in LMNA are known to be pathogenic (PMID: 18585512, 18926329). This variant is not present in population databases (gnomAD no frequency). This variant has not been reported in the literature in individuals affected with LMNA-related conditions. ClinVar contains an entry for this variant (Variation ID: 2087169). For these reasons, this variant has been classified as Pathogenic.

Literature cited by the submitters: PubMed 18585512; PubMed 18926329.

NM_170707.4(LMNA):c.1229_1230del (p.Gln410fs)

Gene: LMNA (lamin A/C; plus strand). Cytogenetic location: 1q22.
Variant type: Deletion.
Coding change: c.1229_1230del on transcript NM_170707.4 (MANE Select); coding-DNA positions 1229 to 1230, 2 bases deleted (AG; older notation c.1229_1230delAG).
Protein change: p.Gln410fs; shifts the reading frame from glutamine 410.
Molecular consequence: frameshift variant.
Genome position (GRCh38, 1-based): chr1:156,136,285-156,136,286, AG deleted. VCF-style (leftmost placement, unchanged base first): chr1-156136284-CAG-C. GRCh37 (hg19) VCF-style: chr1-156106075-CAG-C.
Other names: c.671_672delAG, p.Gln224Argfs (NM_001406995.1, NM_001406996.1, NM_001406997.1 and 4 more transcripts); c.893_894delAG, p.Gln298Argfs (NM_001406998.1, NM_001406989.1); c.605_606delAG, p.Gln202Argfs (NM_001406999.1, NM_001407000.1, NM_001407001.1 and 1 more transcripts); c.1229_1230del, p.Gln410fs (NM_005572.4, NM_170708.4, NM_001282625.2 and 1 more transcripts); c.893_894del, p.Gln298fs (NM_001257374.3); c.986_987del, p.Gln329fs (NM_001282624.2); c.1229_1230delAG, p.Gln410Argfs (NM_001406983.1, NM_001406984.1, NM_001406985.1 and 2 more transcripts); c.986_987delAG, p.Gln329Argfs (NM_001406986.1, NM_001406987.1); and 1 more; short protein forms Q298fs, Q329fs, Q410fs.
Identifiers: ClinVar variation 2087169 (VCV002087169.4), dbSNP rs2527997430, ClinGen allele CA2580061197.